The following is an entry in ClinVar:

ClinVar aggregate classification (germline): Uncertain significance (1 of 4 stars; one submission).

Conditions:
Nephronophthisis 14 (NPHP14). Identifiers: Orphanet 2318, MedGen C3539071, MONDO:0013916, OMIM 614844.

Allele frequency attached by ClinVar (database versions not stated): TOPMed below 0.00001; gnomAD 0.00001; ExAC 0.00002; gnomAD exomes 0.00002.
gnomAD v4.1: 26 of 1,602,548 alleles (0.0016%); highest among the groups gnomAD compares: Middle Eastern, 0.017%; no homozygotes.

Submission:

Labcorp Genetics (formerly Invitae), Labcorp
Classification: Uncertain significance for Nephronophthisis 14. Last evaluated: 2023-10-03. Review status: criteria provided, single submitter. Criteria: Invitae Variant Classification Sherloc (09022015). Collection method: clinical testing. Allele origin: germline.
Comment: This sequence change replaces alanine, which is neutral and non-polar, with valine, which is neutral and non-polar, at codon 1052 of the ZNF423 protein (p.Ala1052Val). This variant is present in population databases (rs757185741, gnomAD 0.002%). This variant has not been reported in the literature in individuals affected with ZNF423-related conditions. ClinVar contains an entry for this variant (Variation ID: 2173763). Advanced modeling of protein sequence and biophysical properties (such as structural, functional, and spatial information, amino acid conservation, physicochemical variation, residue mobility, and thermodynamic stability) performed at Invitae indicates that this missense variant is not expected to disrupt ZNF423 protein function. In summary, the available evidence is currently insufficient to determine the role of this variant in disease. Therefore, it has been classified as a Variant of Uncertain Significance.

NM_001379286.1(ZNF423):c.3179C>T (p.Ala1060Val)

Gene: ZNF423 (zinc finger protein 423; minus strand). Cytogenetic location: 16q12.1.
Variant type: single nucleotide variant.
Coding change: c.3179C>T on transcript NM_001379286.1 (MANE Select); coding-DNA position 3179, C replaced by T.
Protein change: p.Ala1060Val; replaces alanine 1060 with valine.
Molecular consequence: missense variant.
Genome position (GRCh38, 1-based): chr16:49,635,997, G>A on the plus strand (C>T on the coding strand, the complement: ZNF423 is on the minus strand). VCF-style: chr16-49635997-G-A. GRCh37 (hg19) VCF-style: chr16-49669908-G-A.
Other names: c.2975C>T, p.Ala992Val (NM_001271620.2); c.2804C>T, p.Ala935Val (NM_001330533.2); c.3155C>T, p.Ala1052Val (NM_015069.5); short protein forms A992V, A1060V, A1052V, A935V.
Identifiers: ClinVar variation 2173763 (VCV002173763.2), dbSNP rs757185741, ClinGen allele CA8046373.